The following is an entry in ClinVar:

NM_001017979.3(RAB28):c.259C>G (p.Gln87Glu)

Gene: RAB28 (RAB28, member RAS oncogene family; minus strand). Cytogenetic location: 4p15.33.
Variant type: single nucleotide variant.
Coding change: c.259C>G on transcript NM_001017979.3 (MANE Select); coding-DNA position 259, C replaced by G.
Protein change: p.Gln87Glu; replaces glutamine 87 with glutamic acid.
Molecular consequence: missense variant.
Genome position (GRCh38, 1-based): chr4:13,474,320, G>C on the plus strand (C>G on the coding strand, the complement: RAB28 is on the minus strand). VCF-style: chr4-13474320-G-C. GRCh37 (hg19) VCF-style: chr4-13475944-G-C.
Other names: c.259C>G, p.Gln87Glu (NM_001159601.2, NM_004249.4); short protein forms Q87E.
Identifiers: ClinVar variation 1505271 (VCV001505271.5), dbSNP rs1716252060, ClinGen allele CA356374211.

ClinVar aggregate classification (germline): Uncertain significance (1 of 4 stars; one submission).

Allele frequency attached by ClinVar (database versions not stated): gnomAD 0.00001.
gnomAD v4.1: 2 of 1,569,486 alleles (0.00013%); highest among the groups gnomAD compares: Admixed American, 0.0017%; no homozygotes.

Submission:

Labcorp Genetics (formerly Invitae), Labcorp
Classification: Uncertain significance. Last evaluated: 2024-10-26. Review status: criteria provided, single submitter. Criteria: Invitae Variant Classification Sherloc (09022015). Collection method: clinical testing. Allele origin: germline.
Comment: This sequence change replaces glutamine, which is neutral and polar, with glutamic acid, which is acidic and polar, at codon 87 of the RAB28 protein (p.Gln87Glu). This variant is not present in population databases (gnomAD no frequency). This variant has not been reported in the literature in individuals affected with RAB28-related conditions. ClinVar contains an entry for this variant (Variation ID: 1505271). An algorithm developed to predict the effect of missense changes on protein structure and function (PolyPhen-2) suggests that this variant¬†is likely to be tolerated. In summary, the available evidence is currently insufficient to determine the role of this variant in disease. Therefore, it has been classified as a Variant of Uncertain Significance.